The following is an entry in ClinVar:

NM_012199.5(AGO1):c.2431G>A (p.Ala811Thr)

Gene: AGO1 (argonaute RISC component 1; plus strand). Cytogenetic location: 1p34.3.
Variant type: single nucleotide variant.
Coding change: c.2431G>A on transcript NM_012199.5 (MANE Select); coding-DNA position 2431, G replaced by A.
Protein change: p.Ala811Thr; replaces alanine 811 with threonine.
Molecular consequence: missense variant.
Genome position (GRCh38, 1-based): chr1:35,919,220, G>A. VCF-style: chr1-35919220-G-A. GRCh37 (hg19) VCF-style: chr1-36384821-G-A.
Other names: c.2431G>A, p.Ala811Thr (NM_001317122.2); c.2206G>A, p.Ala736Thr (NM_001317123.2); short protein forms A736T, A811T.
Identifiers: ClinVar variation 3378227 (VCV003378227.1).

ClinVar aggregate classification (germline): Uncertain significance (1 of 4 stars; one submission).

Submission:

GeneDx
Classification: Uncertain significance. Last evaluated: 2024-05-13. Review status: criteria provided, single submitter. Criteria: GeneDx Variant Classification Process June 2021. Collection method: clinical testing. Allele origin: germline. Affected: yes.
Comment: Not observed at significant frequency in large population cohorts (gnomAD); In silico analysis supports that this missense variant has a deleterious effect on protein structure/function; Has not been previously published as pathogenic or benign to our knowledge